The following is an entry in ClinVar:

NM_001244008.2(KIF1A):c.1325C>A (p.Ala442Asp)

Gene: KIF1A (kinesin family member 1A; minus strand). Cytogenetic location: 2q37.3.
Variant type: single nucleotide variant.
Coding change: c.1325C>A on transcript NM_001244008.2 (MANE Select); coding-DNA position 1325, C replaced by A.
Protein change: p.Ala442Asp; replaces alanine 442 with aspartic acid.
Molecular consequence: missense variant.
Genome position (GRCh38, 1-based): chr2:240,770,987, G>T on the plus strand (C>A on the coding strand, the complement: KIF1A is on the minus strand). VCF-style: chr2-240770987-G-T. GRCh37 (hg19) VCF-style: chr2-241710404-G-T.
Other names: c.1325C>A, p.Ala442Asp (NM_001320705.2, NM_001330289.2, NM_001379638.1); c.1400C>A, p.Ala467Asp (NM_001330290.2, NM_001379631.1, NM_001379634.1 and 2 more transcripts); c.1298C>A, p.Ala433Asp (NM_001379632.1, NM_001379633.1, NM_001379636.1 and 11 more transcripts); c.1373C>A, p.Ala458Asp (NM_001379637.1, NM_001379648.1); short protein forms A433D, A442D, A458D, A467D.
Identifiers: ClinVar variation 2504504 (VCV002504504.1), dbSNP rs2537864420, ClinGen allele CA351330430.

ClinVar aggregate classification (germline): Uncertain significance (1 of 4 stars; one submission).

Submission:

GeneDx
Classification: Uncertain significance. Last evaluated: 2022-12-01. Review status: criteria provided, single submitter. Criteria: GeneDx Variant Classification Process June 2021. Collection method: clinical testing. Allele origin: germline. Affected: yes.
Comment: Not observed at significant frequency in large population cohorts (gnomAD); In silico analysis supports that this missense variant has a deleterious effect on protein structure/function; Has not been previously published as pathogenic or benign to our knowledge